The following is an entry in ClinVar:

NM_001166114.2(PNPLA6):c.1678G>T (p.Asp560Tyr)

Gene: PNPLA6 (patatin like domain 6, lysophospholipase; plus strand). Cytogenetic location: 19p13.2.
Variant type: single nucleotide variant.
Coding change: c.1678G>T on transcript NM_001166114.2 (MANE Select); coding-DNA position 1678, G replaced by T.
Protein change: p.Asp560Tyr; replaces aspartic acid 560 with tyrosine.
Molecular consequence: missense variant.
Genome position (GRCh38, 1-based): chr19:7,549,976, G>T. VCF-style: chr19-7549976-G-T. GRCh37 (hg19) VCF-style: chr19-7614862-G-T.
Other names: c.1705G>T, p.Asp569Tyr (NM_001166111.2); c.1483G>T, p.Asp495Tyr (NM_001166112.2); c.1561G>T, p.Asp521Tyr (NM_001166113.1, NM_006702.5); short protein forms D569Y, D521Y, D560Y, D495Y.
Identifiers: ClinVar variation 2861272 (VCV002861272.3), dbSNP rs1568415448, ClinGen allele CA403119504.

ClinVar aggregate classification (germline): Likely pathogenic (1 of 4 stars; one submission).

Conditions:
Hereditary spastic paraplegia 39 (SPG39). Also called: Spastic Paraplegia Type 39 (SPG39); SPASTIC PARAPLEGIA 39, AUTOSOMAL RECESSIVE. Identifiers: Orphanet 139480, MedGen C2677586, MONDO:0012787, OMIM 612020.

gnomAD v4.1: 1 of 1,613,970 alleles (0.000062%); highest among the groups gnomAD compares: Non-Finnish European, 0.000085%; no homozygotes.

Submission:

Labcorp Genetics (formerly Invitae), Labcorp
Classification: Likely pathogenic for Hereditary spastic paraplegia 39. Last evaluated: 2023-05-01. Review status: criteria provided, single submitter. Criteria: Invitae Variant Classification Sherloc (09022015). Collection method: clinical testing. Allele origin: germline.
Comment: In summary, the currently available evidence indicates that the variant is pathogenic, but additional data are needed to prove that conclusively. Therefore, this variant has been classified as Likely Pathogenic. Advanced modeling of protein sequence and biophysical properties (such as structural, functional, and spatial information, amino acid conservation, physicochemical variation, residue mobility, and thermodynamic stability) performed at Invitae indicates that this missense variant is expected to disrupt PNPLA6 protein function. This missense change has been observed in individual(s) with clinical features of PNPLA6-related conditions (Invitae). In at least one individual the data is consistent with being in trans (on the opposite chromosome) from a pathogenic variant. This variant is not present in population databases (gnomAD no frequency). This sequence change replaces aspartic acid, which is acidic and polar, with tyrosine, which is neutral and polar, at codon 521 of the PNPLA6 protein (p.Asp521Tyr).